The following is an entry in ClinVar:

ClinVar aggregate classification (germline): Pathogenic (1 of 4 stars; one submission).

Submission:

CeGaT Center for Human Genetics Tuebingen
Classification: Pathogenic. Last evaluated: 2023-02-01. Review status: criteria provided, single submitter. Criteria: CeGaT Center For Human Genetics Tuebingen Variant Classification Criteria Version 2. Collection method: clinical testing. Allele origin: germline. Affected: yes. Observed: 1 variant allele.
Comment: FBN1: PVS1, PM2, PP4

NM_000138.5(FBN1):c.3897_3903del (p.Lys1300fs)

Gene: FBN1 (fibrillin 1; minus strand). Cytogenetic location: 15q21.1.
Variant type: Deletion.
Coding change: c.3897_3903del on transcript NM_000138.5 (MANE Select); coding-DNA positions 3897 to 3903, 7 bases deleted (GAAAGGC; older notation c.3897_3903delGAAAGGC).
Protein change: p.Lys1300fs; shifts the reading frame from lysine 1300.
Molecular consequence: frameshift variant.
Genome position (GRCh38, 1-based): chr15:48,481,716-48,481,722, GCCTTTC deleted on the plus strand (GAAAGGC on the coding strand, the reverse complement: FBN1 is on the minus strand); deleting any 7 consecutive bases within chr15:48,481,716-48,481,723 gives the same sequence; the c. name uses the placement nearest the transcript's 3' end. VCF-style (leftmost placement, unchanged base first): chr15-48481715-AGCCTTTC-A. GRCh37 (hg19) VCF-style: chr15-48773912-AGCCTTTC-A.
Other names: c.3897_3903del, p.Lys1300fs (NM_001406716.1); short protein forms K1300fs.
Identifiers: ClinVar variation 2498612 (VCV002498612.28), dbSNP rs2505533530, ClinGen allele CA2580089540.